The following is an entry in ClinVar:

ClinVar aggregate classification (germline): Uncertain significance (1 of 4 stars; one submission).

Conditions:
Epidermolysis bullosa simplex 5B, with muscular dystrophy (EBS5B). Also called: EPIDERMOLYSIS BULLOSA SIMPLEX AND LIMB-GIRDLE MUSCULAR DYSTROPHY; Epidermolysis bullosa simplex with muscular dystrophy. Identifiers: Orphanet 257, MedGen C2931072, MONDO:0009181, OMIM 226670.
Epidermolysis bullosa simplex, Ogna type (EBS5A). Also called: Pidermolysis bullosa simplex 5A, Ogna type; EPIDERMOLYSIS BULLOSA SIMPLEX 5A, OGNA TYPE. Identifiers: Orphanet 79401, MedGen C0432317, MONDO:0007555, OMIM 131950.
Epidermolysis bullosa simplex 5C, with pyloric atresia (EBS5C). Also called: Epidermolysis bullosa simplex with pyloric atresia; PLEC-Related Epidermolysis Bullosa with Pyloric Atresia; PLEC1-Related Epidermolysis Bullosa with Pyloric Atresia. Identifiers: Orphanet 158684, MedGen C2677349, MONDO:0012807, OMIM 612138.
Epidermolysis bullosa simplex with nail dystrophy (EBS5D). Identifiers: MedGen C4225309, MONDO:0014661, OMIM 616487.
Autosomal recessive limb-girdle muscular dystrophy type 2Q (LGMDR17). Also called: MUSCULAR DYSTROPHY, LIMB-GIRDLE, AUTOSOMAL RECESSIVE 17. Identifiers: Orphanet 254361, MedGen C3150989, MONDO:0013390, OMIM 613723.

Allele frequency attached by ClinVar (database versions not stated): TOPMed 0.00001; gnomAD 0.00002.
gnomAD v4.1: 33 of 1,597,248 alleles (0.0021%); highest among the groups gnomAD compares: Non-Finnish European, 0.0025%; no homozygotes.

Submission:

Labcorp Genetics (formerly Invitae), Labcorp
Classification: Uncertain significance for Autosomal recessive limb-girdle muscular dystrophy type 2Q; Epidermolysis bullosa simplex, Ogna type; Epidermolysis bullosa simplex with nail dystrophy; Epidermolysis bullosa simplex 5C, with pyloric atresia; Epidermolysis bullosa simplex 5B, with muscular dystrophy. Last evaluated: 2025-04-10. Review status: criteria provided, single submitter. Criteria: Invitae Variant Classification Sherloc (09022015). Collection method: clinical testing. Allele origin: germline.
Comment: This sequence change replaces glutamic acid, which is acidic and polar, with lysine, which is basic and polar, at codon 1241 of the PLEC protein (p.Glu1241Lys). This variant is present in population databases (no rsID available, gnomAD 0.01%). This variant has not been reported in the literature in individuals affected with PLEC-related conditions. ClinVar contains an entry for this variant (Variation ID: 941588). Invitae Evidence Modeling of protein sequence and biophysical properties (such as structural, functional, and spatial information, amino acid conservation, physicochemical variation, residue mobility, and thermodynamic stability) indicates that this missense variant is not expected to disrupt PLEC protein function with a negative predictive value of 80%. In summary, the available evidence is currently insufficient to determine the role of this variant in disease. Therefore, it has been classified as a Variant of Uncertain Significance.

NM_201384.3(PLEC):c.3640G>A (p.Glu1214Lys)

Gene: PLEC (plectin; minus strand). Cytogenetic location: 8q24.3.
Variant type: single nucleotide variant.
Coding change: c.3640G>A on transcript NM_201384.3 (MANE Select); coding-DNA position 3640, G replaced by A.
Protein change: p.Glu1214Lys; replaces glutamic acid 1214 with lysine.
Molecular consequence: missense variant.
Genome position (GRCh38, 1-based): chr8:143,927,526, C>T on the plus strand (G>A on the coding strand, the complement: PLEC is on the minus strand). VCF-style: chr8-143927526-C-T. GRCh37 (hg19) VCF-style: chr8-145001694-C-T.
Other names: c.3721G>A, p.Glu1241Lys (NM_000445.5); c.3598G>A, p.Glu1200Lys (NM_201378.4); c.3574G>A, p.Glu1192Lys (NM_201379.3); c.4051G>A, p.Glu1351Lys (NM_201380.4); c.3544G>A, p.Glu1182Lys (NM_201381.3); c.3640G>A, p.Glu1214Lys (NM_201382.4); c.3652G>A, p.Glu1218Lys (NM_201383.3); short protein forms E1200K, E1351K, E1192K, E1218K, E1241K, E1182K, E1214K.
Identifiers: ClinVar variation 941588 (VCV000941588.6), dbSNP rs922709138, ClinGen allele CA187618071.